The following is an entry in ClinVar:

ClinVar aggregate classification (germline): Uncertain significance (1 of 4 stars; one submission).

Conditions:
Joubert syndrome 21 (JBTS21). Identifiers: MedGen C3810212, MONDO:0014288, OMIM 615636.

Submission:

Labcorp Genetics (formerly Invitae), Labcorp
Classification: Uncertain significance for Joubert syndrome 21. Last evaluated: 2022-05-13. Review status: criteria provided, single submitter. Criteria: Invitae Variant Classification Sherloc (09022015). Collection method: clinical testing. Allele origin: germline.
Comment: In summary, the available evidence is currently insufficient to determine the role of this variant in disease. Therefore, it has been classified as a Variant of Uncertain Significance. Algorithms developed to predict the effect of missense changes on protein structure and function are either unavailable or do not agree on the potential impact of this missense change (SIFT: "Deleterious"; PolyPhen-2: "Probably Damaging"; Align-GVGD: "Class C0"). This variant has not been reported in the literature in individuals affected with CSPP1-related conditions. This variant is not present in population databases (gnomAD no frequency). This sequence change replaces threonine, which is neutral and polar, with isoleucine, which is neutral and non-polar, at codon 1185 of the CSPP1 protein (p.Thr1185Ile).

NM_001382391.1(CSPP1):c.3569C>T (p.Thr1190Ile)

Genes: ARFGEF1 (ARF guanine nucleotide exchange factor 1; minus strand), CSPP1 (centrosome and spindle pole associated protein 1; plus strand). Cytogenetic location: 8q13.2.
Variant type: single nucleotide variant.
Coding change: c.3569C>T on transcript NM_001382391.1 (MANE Select); coding-DNA position 3569, C replaced by T.
Protein change: p.Thr1190Ile; replaces threonine 1190 with isoleucine.
Molecular consequence: missense variant. On other transcripts: 3 prime UTR variant (1), intron variant (2).
Genome position (GRCh38, 1-based): chr8:67,195,481, C>T. VCF-style: chr8-67195481-C-T. GRCh37 (hg19) VCF-style: chr8-68107716-C-T.
Other names: c.2519C>T, p.Thr840Ile (NM_001291339.2); c.3488C>T, p.Thr1163Ile (NM_001363131.2); c.3374C>T, p.Thr1125Ile (NM_001363132.2); c.3293C>T, p.Thr1098Ile (NM_001363133.2); c.3635C>T, p.Thr1212Ile (NM_001364869.1); c.3455C>T, p.Thr1152Ile (NM_001364870.1); c.3401C>T, p.Thr1134Ile (NM_001438330.1); c.*61C>T (NM_001438331.1); and 4 more; short protein forms T1125I, T1185I, T1212I, T840I, T1098I, T1152I, T1163I, T1190I.
Identifiers: ClinVar variation 1952854 (VCV001952854.5), dbSNP rs2491090014, ClinGen allele CA371204344.
Genomic context (GRCh38, chr8:67,195,481, plus strand): 5'-AACACATAGGGGATGACGGATCAAACTCTGTAGCAACTGAGCCCTGGCTCCGCCCTGGCA[C>T]TTCAGAAACGCTGAAACGTTTCATGGCAGAGCAGCTGAACCAGGAGCAGCAGCAGATTCC-3'
Protein context (NP_001369320.1, residues 1180-1200): VATEPWLRPG[Thr1190Ile]SETLKRFMAE